The following is an entry in ClinVar:

ClinVar aggregate classification (germline): Uncertain significance (1 of 4 stars; one submission).

Allele frequency attached by ClinVar (database versions not stated): gnomAD exomes 0.00001; ExAC 0.00002.
gnomAD v4.1: 24 of 1,613,684 alleles (0.0015%); highest among the groups gnomAD compares: Admixed American, 0.0033%; no homozygotes.

Submission:

Labcorp Genetics (formerly Invitae), Labcorp
Classification: Uncertain significance. Last evaluated: 2022-10-13. Review status: criteria provided, single submitter. Criteria: Invitae Variant Classification Sherloc (09022015). Collection method: clinical testing. Allele origin: germline.
Comment: In summary, the available evidence is currently insufficient to determine the role of this variant in disease. Therefore, it has been classified as a Variant of Uncertain Significance. Algorithms developed to predict the effect of missense changes on protein structure and function (SIFT, PolyPhen-2, Align-GVGD) all suggest that this variant is likely to be tolerated. This variant has not been reported in the literature in individuals affected with IL2RB-related conditions. This variant is present in population databases (rs761168524, gnomAD 0.006%). This sequence change replaces valine, which is neutral and non-polar, with isoleucine, which is neutral and non-polar, at codon 300 of the IL2RB protein (p.Val300Ile).

NM_000878.5(IL2RB):c.898G>A (p.Val300Ile)

Gene: IL2RB (interleukin 2 receptor subunit beta; minus strand). Cytogenetic location: 22q12.3.
Variant type: single nucleotide variant.
Coding change: c.898G>A on transcript NM_000878.5 (MANE Select); coding-DNA position 898, G replaced by A.
Protein change: p.Val300Ile; replaces valine 300 with isoleucine.
Molecular consequence: missense variant.
Genome position (GRCh38, 1-based): chr22:37,132,389, C>T on the plus strand (G>A on the coding strand, the complement: IL2RB is on the minus strand). VCF-style: chr22-37132389-C-T. GRCh37 (hg19) VCF-style: chr22-37528429-C-T.
Other names: c.898G>A, p.Val300Ile (NM_001346222.1, NM_001346223.2); short protein forms V300I.
Identifiers: ClinVar variation 1944481 (VCV001944481.3), dbSNP rs761168524, ClinGen allele CA10216480.